The following is an entry in ClinVar:

ClinVar aggregate classification (germline): Likely benign (0 of 4 stars; one submission).

Conditions:
TRAPPC9-related disorder. Also called: TRAPPC9-related condition.

Allele frequency attached by ClinVar (database versions not stated): gnomAD exomes below 0.00001.
gnomAD v4.1: 4 of 1,613,744 alleles (0.00025%); highest among the groups gnomAD compares: East Asian, 0.0045%; no homozygotes.

Submission:

PreventionGenetics, part of Exact Sciences
Classification: Likely benign for TRAPPC9-related condition. Last evaluated: 2023-02-03. Review status: no assertion criteria provided. Collection method: clinical testing. Allele origin: germline.
Comment: This variant is classified as likely benign based on ACMG/AMP sequence variant interpretation guidelines (Richards et al. 2015 PMID: 25741868, with internal and published modifications).

NM_001160372.4(TRAPPC9):c.2664A>G (p.Val888=)

Gene: TRAPPC9 (trafficking protein particle complex subunit 9; minus strand). Cytogenetic location: 8q24.3.
Variant type: single nucleotide variant.
Coding change: c.2664A>G on transcript NM_001160372.4 (MANE Select); coding-DNA position 2664, A replaced by G.
Protein change: p.Val888=; no amino-acid change (valine 888 retained).
Molecular consequence: synonymous variant. On other transcripts: non-coding transcript variant (1).
Genome position (GRCh38, 1-based): chr8:140,023,972, T>C on the plus strand (A>G on the coding strand, the complement: TRAPPC9 is on the minus strand). VCF-style: chr8-140023972-T-C. GRCh37 (hg19) VCF-style: chr8-141034069-T-C.
Other names: c.2637A>G, p.Val879= (NM_001321646.2); c.2685A>G, p.Val895= (NM_001374682.1); c.2664A>G, p.Val888= (NM_001374683.1, NM_031466.8); c.2520A>G, p.Val840= (NM_001374684.1).
Identifiers: ClinVar variation 3052184 (VCV003052184.2), dbSNP rs2537477675, ClinGen allele CA463211783.